The following is an entry in ClinVar:

NC_000019.9:g.(?_41903723)_(41903850_?)del

Gene: BCKDHA (branched chain keto acid dehydrogenase E1 subunit alpha; plus strand). Cytogenetic location: 19q13.2.
Variant type: Deletion.
Identifiers: ClinVar variation 1075615 (VCV001075615.5).

ClinVar aggregate classification (germline): Pathogenic (1 of 4 stars; one submission).

Conditions:
Maple syrup urine disease (MSUD). Identifiers: Orphanet 511, MedGen C0024776, MeSH D008375, MONDO:0009563. Disease mechanism: loss of function.

Submission:

Labcorp Genetics (formerly Invitae), Labcorp
Classification: Pathogenic for Maple syrup urine disease. Last evaluated: 2022-02-21. Review status: criteria provided, single submitter. Criteria: Invitae Variant Classification Sherloc (09022015). Collection method: clinical testing. Allele origin: germline.
Comment: This variant is a gross deletion of the genomic region encompassing exon(s) 1 of the BCKDHA gene, which includes the initiator codon. This deletion extends beyond the assayed region for this gene and therefore may encompass additional genes. It is expected to result in an absent or disrupted protein product. Loss-of-function variants in BCKDHA are known to be pathogenic (PMID: 16786533, 22593002). This variant has not been reported in the literature in individuals affected with BCKDHA-related conditions. For these reasons, this variant has been classified as Pathogenic.

Literature cited by the submitters: PubMed 16786533; PubMed 22593002.